The following is an entry in ClinVar:

ClinVar aggregate classification (germline): Uncertain significance (1 of 4 stars; one submission).

Conditions:
Familial hemophagocytic lymphohistiocytosis 4 (FHL4). Also called: STX11-Related Familial Hemophagocytic Lymphohistiocytosis (STX11-fHLH). Identifiers: Orphanet 540, MedGen C1863728, MONDO:0011336, OMIM 603552.

Allele frequency attached by ClinVar (database versions not stated): gnomAD exomes below 0.00001 and 0.00001; ExAC 0.00001; ESP Exome Variant Server 0.00008.
gnomAD v4.1: 2 of 1,613,938 alleles (0.00012%); highest among the groups gnomAD compares: Non-Finnish European, 0.00017%; no homozygotes.

Submission:

Labcorp Genetics (formerly Invitae), Labcorp
Classification: Uncertain significance for Familial hemophagocytic lymphohistiocytosis 4. Last evaluated: 2022-06-03. Review status: criteria provided, single submitter. Criteria: Invitae Variant Classification Sherloc (09022015). Collection method: clinical testing. Allele origin: germline.
Comment: This sequence change replaces leucine, which is neutral and non-polar, with arginine, which is basic and polar, at codon 194 of the STX11 protein (p.Leu194Arg). This variant is present in population databases (rs371929203, gnomAD 0.002%). This variant has not been reported in the literature in individuals affected with STX11-related conditions. ClinVar contains an entry for this variant (Variation ID: 844357). Algorithms developed to predict the effect of missense changes on protein structure and function are either unavailable or do not agree on the potential impact of this missense change (SIFT: "Deleterious"; PolyPhen-2: "Probably Damaging"; Align-GVGD: "Class C0"). In summary, the available evidence is currently insufficient to determine the role of this variant in disease. Therefore, it has been classified as a Variant of Uncertain Significance.

NM_003764.4(STX11):c.581T>G (p.Leu194Arg)

Gene: STX11 (syntaxin 11; plus strand). Cytogenetic location: 6q24.2.
Variant type: single nucleotide variant.
Coding change: c.581T>G on transcript NM_003764.4 (MANE Select); coding-DNA position 581, T replaced by G.
Protein change: p.Leu194Arg; replaces leucine 194 with arginine.
Molecular consequence: missense variant.
Genome position (GRCh38, 1-based): chr6:144,187,208, T>G. VCF-style: chr6-144187208-T-G. GRCh37 (hg19) VCF-style: chr6-144508345-T-G.
Other names: short protein forms L194R.
Identifiers: ClinVar variation 844357 (VCV000844357.7), dbSNP rs371929203, ClinGen allele CA4031735.